The following is an entry in ClinVar:

NM_006563.5(KLF1):c.508T>A (p.Tyr170Asn)

Genes: KLF1 (KLF transcription factor 1; minus strand), LOC130063673 (ATAC-STARR-seq lymphoblastoid silent region 10180; plus strand). Cytogenetic location: 19p13.13.
Variant type: single nucleotide variant.
Coding change: c.508T>A on transcript NM_006563.5 (MANE Select); coding-DNA position 508, T replaced by A.
Protein change: p.Tyr170Asn; replaces tyrosine 170 with asparagine.
Molecular consequence: missense variant.
Genome position (GRCh38, 1-based): chr19:12,885,722, A>T on the plus strand (T>A on the coding strand, the complement: KLF1 is on the minus strand). VCF-style: chr19-12885722-A-T. GRCh37 (hg19) VCF-style: chr19-12996536-A-T.
Other names: short protein forms Y170N.
Identifiers: ClinVar variation 4698102 (VCV004698102.1).
Genomic context (GRCh38, chr19:12,885,722, plus strand): 5'-GCACTGAAAGCCCGGTCCGCGGGAAGTAGCCACCCGAGGAGCCGGCGCCGGGCCCCGGGT[A>T]CACCGGTTGCAGCGCCAGCGCCTTGGGCTCGGGGGCCGGGGCTGGAGCCAGGGCTGGGCC-3'
Protein context (NP_006554.1, residues 160-180): EPKALALQPV[Tyr170Asn]PGPGAGSSGG

ClinVar aggregate classification (germline): Uncertain significance (1 of 4 stars; one submission).

Submission:

Labcorp Genetics (formerly Invitae), Labcorp
Classification: Uncertain significance. Last evaluated: 2025-09-26. Review status: criteria provided, single submitter. Criteria: Invitae Variant Classification Sherloc (09022015). Collection method: clinical testing. Allele origin: germline.
Comment: This sequence change replaces tyrosine, which is neutral and polar, with asparagine, which is neutral and polar, at codon 170 of the KLF1 protein (p.Tyr170Asn). This variant is not present in population databases (gnomAD no frequency). This variant has not been reported in the literature in individuals affected with KLF1-related conditions. Invitae Evidence Modeling of protein sequence and biophysical properties (such as structural, functional, and spatial information, amino acid conservation, physicochemical variation, residue mobility, and thermodynamic stability) indicates that this missense variant is expected to disrupt KLF1 protein function with a positive predictive value of 80%. In summary, the available evidence is currently insufficient to determine the role of this variant in disease. Therefore, it has been classified as a Variant of Uncertain Significance.